The following is an entry in ClinVar:

ClinVar aggregate classification (germline): Uncertain significance. Review status: criteria provided, multiple submitters, no conflicts (2 of 4 stars). 3 submissions from 3 submitters: Uncertain significance (3). Last evaluated 2025-05-05.

Conditions:
Inborn genetic diseases. Identifiers: MedGen C0950123, MeSH D030342.
Left ventricular noncompaction 8 (LVNC8). Identifiers: Orphanet 154, Orphanet 54260, MedGen C3809288, MONDO:0014152, OMIM 615373.

Allele frequency attached by ClinVar (database versions not stated): gnomAD exomes below 0.00001 and 0.00010; ExAC 0.00001; TOPMed 0.00003; gnomAD 0.00004.
gnomAD v4.1: 150 of 1,590,396 alleles (0.0094%); highest among the groups gnomAD compares: Non-Finnish European, 0.012%; no homozygotes.

Submissions (3):

Labcorp Genetics (formerly Invitae), Labcorp
Classification: Uncertain significance for Left ventricular noncompaction 8. Last evaluated: 2025-05-05. Review status: criteria provided, single submitter. Criteria: Invitae Variant Classification Sherloc (09022015). Collection method: clinical testing. Allele origin: germline.
Comment: This sequence change replaces isoleucine, which is neutral and non-polar, with valine, which is neutral and non-polar, at codon 807 of the PRDM16 protein (p.Ile807Val). This variant is present in population databases (rs772583416, gnomAD 0.001%). This variant has not been reported in the literature in individuals affected with PRDM16-related conditions. ClinVar contains an entry for this variant (Variation ID: 969622). An algorithm developed to predict the effect of missense changes on protein structure and function (PolyPhen-2) suggests that this variant is likely to be tolerated. In summary, the available evidence is currently insufficient to determine the role of this variant in disease. Therefore, it has been classified as a Variant of Uncertain Significance.

Ambry Genetics
Classification: Uncertain significance for Inborn genetic diseases. Last evaluated: 2024-05-08. Review status: criteria provided, single submitter. Criteria: Ambry Variant Classification Scheme 2023. Collection method: clinical testing. Allele origin: germline.

GeneDx
Classification: Uncertain significance. Last evaluated: 2023-06-01. Review status: criteria provided, single submitter. Criteria: GeneDx Variant Classification Process June 2021. Collection method: clinical testing. Allele origin: germline. Affected: yes.
Comment: Has not been previously published as pathogenic or benign to our knowledge; Not observed at significant frequency in large population cohorts (gnomAD); In silico analysis supports that this missense variant does not alter protein structure/function

NM_022114.4(PRDM16):c.2419A>G (p.Ile807Val)

Gene: PRDM16 (PR/SET domain 16; plus strand). Cytogenetic location: 1p36.32.
Variant type: single nucleotide variant.
Coding change: c.2419A>G on transcript NM_022114.4 (MANE Select); coding-DNA position 2419, A replaced by G.
Protein change: p.Ile807Val; replaces isoleucine 807 with valine.
Molecular consequence: missense variant.
Genome position (GRCh38, 1-based): chr1:3,412,616, A>G. VCF-style: chr1-3412616-A-G. GRCh37 (hg19) VCF-style: chr1-3329180-A-G.
Other names: c.2419A>G, p.Ile807Val (NM_199454.3); short protein forms I807V.
Identifiers: ClinVar variation 969622 (VCV000969622.12), dbSNP rs772583416, ClinGen allele CA544469.
Genomic context (GRCh38, chr1:3,412,616, plus strand): 5'-CCCATGCCCAAGGGCCCCTCGGCCCCCGCATCCGGCGAGGAGCAGCCGCTGGACCTGAGC[A>G]TCGGCAGCCGGGCCCGTGCCAGCCAAAACGGCGGCGGGCGGGAGCCCCGCAAGAACCACG-3'
Protein context (NP_071397.3, residues 797-817): SGEEQPLDLS[Ile807Val]GSRARASQNG